The following is an entry in ClinVar:

ClinVar aggregate classification (germline): Uncertain significance (1 of 4 stars; one submission).

Submission:

GeneDx
Classification: Uncertain significance. Last evaluated: 2026-09-29. Review status: criteria provided, single submitter. Criteria: GeneDx Variant Classification Process June 2021. Collection method: clinical testing. Allele origin: germline.
Comment: Not observed at significant frequency in large population cohorts (gnomAD); In silico analysis suggests that this missense variant does not alter protein structure/function; Has not been previously published as pathogenic or benign to our knowledge

NM_000489.6(ATRX):c.1192G>A (p.Val398Met)

Gene: ATRX (ATRX chromatin remodeler; minus strand). Cytogenetic location: Xq21.1.
Variant type: single nucleotide variant.
Coding change: c.1192G>A on transcript NM_000489.6 (MANE Select); coding-DNA position 1192, G replaced by A.
Protein change: p.Val398Met; replaces valine 398 with methionine.
Molecular consequence: missense variant.
Genome position (GRCh38, 1-based): chrX:77,684,064, C>T on the plus strand (G>A on the coding strand, the complement: ATRX is on the minus strand). VCF-style: chrX-77684064-C-T. GRCh37 (hg19) VCF-style: chrX-76939556-C-T.
Other names: c.1078G>A, p.Val360Met (NM_138270.5); short protein forms V360M, V398M.
Identifiers: ClinVar variation 3343452 (VCV003343452.2).